The following is an entry in ClinVar:

NM_001807.6(CEL):c.333G>A (p.Arg111=)

Gene: CEL (carboxyl ester lipase; plus strand). Cytogenetic location: 9q34.13.
Variant type: single nucleotide variant.
Coding change: c.333G>A on transcript NM_001807.6 (MANE Select); coding-DNA position 333, G replaced by A.
Protein change: p.Arg111=; no amino-acid change (arginine 111 retained).
Molecular consequence: synonymous variant.
Genome position (GRCh38, 1-based): chr9:133,064,755, G>A. VCF-style: chr9-133064755-G-A. GRCh37 (hg19) VCF-style: chr9-135940142-G-A.
Identifiers: ClinVar variation 3905618 (VCV003905618.10).
Genomic context (GRCh38, chr9:133,064,755, plus strand): 5'-GGACAGCACCTACGGGGATGAAGACTGCCTGTACCTCAACATTTGGGTGCCCCAGGGCAG[G>A]AAGCAAGGTCTGCCTCCCCTCTACTCCCCAAGGGACCCTCCCATGCAGCCACTGCCCCGG-3'
Protein context (NP_001798.3, residues 101-121): LYLNIWVPQG[Arg111=]KQVSRDLPVM

ClinVar aggregate classification (germline): Likely benign (1 of 4 stars; one submission).

Submission:

CeGaT Center for Human Genetics Tuebingen
Classification: Likely benign. Last evaluated: 2025-05-01. Review status: criteria provided, single submitter. Criteria: CeGaT Center For Human Genetics Tuebingen Variant Classification Criteria Version 2. Collection method: clinical testing. Allele origin: germline. Affected: yes. Observed: 1 variant allele.
Comment: CEL: PM2:Supporting, BP4, BP7